The following is an entry in ClinVar:

ClinVar aggregate classification (germline): Uncertain significance (1 of 4 stars; one submission).

gnomAD v4.1: 35 of 1,614,164 alleles (0.0022%); highest among the groups gnomAD compares: Non-Finnish European, 0.0029%; no homozygotes.

Submission:

Labcorp Genetics (formerly Invitae), Labcorp
Classification: Uncertain significance. Last evaluated: 2025-06-15. Review status: criteria provided, single submitter. Criteria: Invitae Variant Classification Sherloc (09022015). Collection method: clinical testing. Allele origin: germline.
Comment: This sequence change affects codon 79 of the KLHL9 mRNA. It is a 'silent' change, meaning that it does not change the encoded amino acid sequence of the KLHL9 protein. This variant is present in population databases (rs753288467, gnomAD 0.003%). This variant has not been reported in the literature in individuals affected with KLHL9-related conditions. In summary, the available evidence is currently insufficient to determine the role of this variant in disease. Therefore, it has been classified as a Variant of Uncertain Significance.

NM_018847.4(KLHL9):c.237C>T (p.Ala79=)

Gene: KLHL9 (kelch like family member 9; minus strand). Cytogenetic location: 9p21.3.
Variant type: single nucleotide variant.
Coding change: c.237C>T on transcript NM_018847.4 (MANE Select); coding-DNA position 237, C replaced by T.
Protein change: p.Ala79=; no amino-acid change (alanine 79 retained).
Molecular consequence: synonymous variant.
Genome position (GRCh38, 1-based): chr9:21,334,623, G>A on the plus strand (C>T on the coding strand, the complement: KLHL9 is on the minus strand). VCF-style: chr9-21334623-G-A. GRCh37 (hg19) VCF-style: chr9-21334622-G-A.
Identifiers: ClinVar variation 4755199 (VCV004755199.1).
Genomic context (GRCh38, chr9:21,334,623, plus strand): 5'-GTTCACCCCATGAAGCTTAATGCACATCAAATCTTGTTCTTTCATTCCACCTGTGAACAT[G>A]GCTTTGAAATAATCACTAGCAGACGCCATCATAGCTCTGTGAACAGGGAAGATTTCATCT-3'
Protein context (NP_061335.1, residues 69-89): MMASASDYFK[Ala79=]MFTGGMKEQD